The following is an entry in ClinVar:

NM_020987.5(ANK3):c.13111G>A (p.Val4371Met)

Gene: ANK3 (ankyrin 3; minus strand). Cytogenetic location: 10q21.2.
Variant type: single nucleotide variant.
Coding change: c.13111G>A on transcript NM_020987.5 (MANE Select); coding-DNA position 13111, G replaced by A.
Protein change: p.Val4371Met; replaces valine 4371 with methionine.
Molecular consequence: missense variant.
Genome position (GRCh38, 1-based): chr10:60,042,714, C>T on the plus strand (G>A on the coding strand, the complement: ANK3 is on the minus strand). VCF-style: chr10-60042714-C-T. GRCh37 (hg19) VCF-style: chr10-61802472-C-T.
Other names: c.2983G>A, p.Val995Met (NM_001149.4); c.5563G>A, p.Val1855Met (NM_001204403.2); c.5584G>A, p.Val1862Met (NM_001204404.2); c.5581G>A, p.Val1861Met (NM_001320874.2); short protein forms V1855M, V1861M, V1862M, V4371M, V995M.
Identifiers: ClinVar variation 4697013 (VCV004697013.1).

ClinVar aggregate classification (germline): Uncertain significance (1 of 4 stars; one submission).

gnomAD v4.1: 19 of 1,614,018 alleles (0.0012%); highest among the groups gnomAD compares: African/African-American, 0.023%; no homozygotes.

Submission:

Labcorp Genetics (formerly Invitae), Labcorp
Classification: Uncertain significance. Last evaluated: 2025-10-22. Review status: criteria provided, single submitter. Criteria: Invitae Variant Classification Sherloc (09022015). Collection method: clinical testing. Allele origin: germline.
Comment: This sequence change replaces valine, which is neutral and non-polar, with methionine, which is neutral and non-polar, at codon 4371 of the ANK3 protein (p.Val4371Met). This variant is present in population databases (no rsID available, gnomAD 0.02%). This variant has not been reported in the literature in individuals affected with ANK3-related conditions. Invitae Evidence Modeling of protein sequence and biophysical properties (such as structural, functional, and spatial information, amino acid conservation, physicochemical variation, residue mobility, and thermodynamic stability) indicates that this missense variant is not expected to disrupt ANK3 protein function with a negative predictive value of 80%. In summary, the available evidence is currently insufficient to determine the role of this variant in disease. Therefore, it has been classified as a Variant of Uncertain Significance.